The following is an entry in ClinVar:

ClinVar aggregate classification (germline): Uncertain significance (1 of 4 stars; one submission).

gnomAD v4.1: 2 of 1,613,316 alleles (0.00012%); highest among the groups gnomAD compares: African/African-American, 0.0027%; no homozygotes.

Submission:

Labcorp Genetics (formerly Invitae), Labcorp
Classification: Uncertain significance. Last evaluated: 2022-06-13. Review status: criteria provided, single submitter. Criteria: Invitae Variant Classification Sherloc (09022015). Collection method: clinical testing. Allele origin: germline.
Comment: In summary, the available evidence is currently insufficient to determine the role of this variant in disease. Therefore, it has been classified as a Variant of Uncertain Significance. Algorithms developed to predict the effect of missense changes on protein structure and function (SIFT, PolyPhen-2, Align-GVGD) all suggest that this variant is likely to be tolerated. This variant has not been reported in the literature in individuals affected with AP3D1-related conditions. This variant is present in population databases (no rsID available, gnomAD 0.02%). This sequence change replaces aspartic acid, which is acidic and polar, with asparagine, which is neutral and polar, at codon 910 of the AP3D1 protein (p.Asp910Asn).

NM_001261826.3(AP3D1):c.2728G>A (p.Asp910Asn)

Gene: AP3D1 (adaptor related protein complex 3 subunit delta 1; minus strand). Cytogenetic location: 19p13.3.
Variant type: single nucleotide variant.
Coding change: c.2728G>A on transcript NM_001261826.3 (MANE Select); coding-DNA position 2728, G replaced by A.
Protein change: p.Asp910Asn; replaces aspartic acid 910 with asparagine.
Molecular consequence: missense variant. On other transcripts: intron variant (1).
Genome position (GRCh38, 1-based): chr19:2,112,919, C>T on the plus strand (G>A on the coding strand, the complement: AP3D1 is on the minus strand). VCF-style: chr19-2112919-C-T. GRCh37 (hg19) VCF-style: chr19-2112918-C-T.
Other names: c.2692G>A, p.Asp898Asn (NM_001374799.1); c.2602-1091G>A (NM_003938.8); short protein forms D898N, D910N.
Identifiers: ClinVar variation 1486928 (VCV001486928.8), dbSNP rs913034902, ClinGen allele CA403206142.
Genomic context (GRCh38, chr19:2,112,919, plus strand): 5'-CCTTGTCCTGGTCTTGCCCCTCGGCATCGTCCTCCTCGCCCTGCGCCTCCGTCTTGGCGT[C>T]CTCACACTCGTCCTTCGGGGTAGTGACAGTGTTCACACTGAGCTCCCCCTGCAGGGAGCC-3'
Protein context (NP_001248755.1, residues 900-920): TVTTPKDECE[Asp910Asn]AKTEAQGEED